The following is an entry in ClinVar:

ClinVar aggregate classification (germline): Uncertain significance (1 of 4 stars; one submission).

Conditions:
Colorectal cancer, susceptibility to, 12 (CRCS12). Also called: COLORECTAL CANCER, SUSCEPTIBILITY TO, ON CHROMOSOME 12q24. Identifiers: Orphanet 220460, MedGen C3554460, MONDO:0014038, OMIM 615083.

Submission:

Labcorp Genetics (formerly Invitae), Labcorp
Classification: Uncertain significance for Colorectal cancer, susceptibility to, 12. Last evaluated: 2021-08-12. Review status: criteria provided, single submitter. Criteria: Invitae Variant Classification Sherloc (09022015). Collection method: clinical testing. Allele origin: germline.
Comment: This variant results in a copy number gain of the genomic region encompassing exon(s) 1-23 of the POLE gene. This region includes the initiator codon of the gene. This copy number gain extends beyond the assayed region for this gene and therefore may encompass additional genes. As the precise location of this event is unknown, it may be in tandem or it may be located elsewhere in the genome. This variant has not been reported in the literature in individuals affected with POLE-related conditions. Experimental studies and prediction algorithms are not available or were not evaluated, and the functional significance of this variant is currently unknown. In summary, the available evidence is currently insufficient to determine the role of this variant in disease. Therefore, it has been classified as a Variant of Uncertain Significance.

NC_000012.11:g.(?_133240580)_(133263911_?)dup

Genes: POLE (DNA polymerase epsilon, catalytic subunit; minus strand), LOC130009266 (ATAC-STARR-seq lymphoblastoid silent region 5123; plus strand). Cytogenetic location: 12q24.33.
Variant type: Duplication.
Identifiers: ClinVar variation 658969 (VCV000658969.7).